The following is an entry in ClinVar:

ClinVar aggregate classification (germline): Likely benign. Review status: criteria provided, multiple submitters, no conflicts (2 of 4 stars). 2 submissions from 2 submitters: Likely benign (2). Last evaluated 2026-05-01.

Conditions:
COG7 congenital disorder of glycosylation (CDG2E). Also called: CONGENITAL DISORDER OF GLYCOSYLATION, TYPE IIe; CDG IIe. Identifiers: Orphanet 79333, MedGen C2931010, MONDO:0012118, OMIM 608779.

Allele frequency attached by ClinVar (database versions not stated): TOPMed 0.00001; ESP Exome Variant Server 0.00008.
gnomAD v4.1: 28 of 1,614,058 alleles (0.0017%); highest among the groups gnomAD compares: East Asian, 0.022%; 1 homozygote.

Submissions (2):

CeGaT Center for Human Genetics Tuebingen
Classification: Likely benign. Last evaluated: 2026-05-01. Review status: criteria provided, single submitter. Criteria: CeGaT Center For Human Genetics Tuebingen Variant Classification Criteria Version 2. Collection method: clinical testing. Allele origin: germline. Affected: yes. Observed: 1 variant allele.
Comment: COG7: BP4, BP7

Labcorp Genetics (formerly Invitae), Labcorp
Classification: Likely benign for COG7 congenital disorder of glycosylation. Last evaluated: 2025-12-19. Review status: criteria provided, single submitter. Criteria: Invitae Variant Classification Sherloc (09022015). Collection method: clinical testing. Allele origin: germline.

NM_153603.4(COG7):c.1503A>G (p.Leu501=)

Gene: COG7 (component of oligomeric golgi complex 7; minus strand). Cytogenetic location: 16p12.2.
Variant type: single nucleotide variant.
Coding change: c.1503A>G on transcript NM_153603.4 (MANE Select); coding-DNA position 1503, A replaced by G.
Protein change: p.Leu501=; no amino-acid change (leucine 501 retained).
Molecular consequence: synonymous variant.
Genome position (GRCh38, 1-based): chr16:23,406,235, T>C on the plus strand (A>G on the coding strand, the complement: COG7 is on the minus strand). VCF-style: chr16-23406235-T-C. GRCh37 (hg19) VCF-style: chr16-23417556-T-C.
Identifiers: ClinVar variation 1582449 (VCV001582449.10), dbSNP rs200335241, ClinGen allele CA7960942.